The following is an entry in ClinVar:

ClinVar aggregate classification (germline): Benign (1 of 4 stars; one submission).

Conditions:
SLC25A24-related disorder. Also called: SLC25A24-related condition.

gnomAD v4.1: 735 of 1,499,526 alleles (0.049%); highest among the groups gnomAD compares: African/African-American, 0.86%; 72 homozygotes.

Submission:

PreventionGenetics, part of Exact Sciences
Classification: Benign for SLC25A24-related condition. Last evaluated: 2025-04-15. Review status: criteria provided, single submitter. Criteria: ACMG Guidelines, 2015. Collection method: clinical testing. Allele origin: germline.
Comment: This variant is classified as benign based on ACMG/AMP sequence variant interpretation guidelines (Richards et al. 2015 PMID: 25741868, with internal and published modifications).

NM_013386.5(SLC25A24):c.184-6620G>A

Gene: SLC25A24 (solute carrier family 25 member 24; minus strand). Cytogenetic location: 1p13.3.
Variant type: single nucleotide variant.
Coding change: c.184-6620G>A on transcript NM_013386.5 (MANE Select); 6620 bases into the intron before coding-DNA position 184, G replaced by A.
Molecular consequence: intron variant. On other transcripts: synonymous variant (1).
Genome position (GRCh38, 1-based): chr1:108,192,574, C>T on the plus strand (G>A on the coding strand, the complement: SLC25A24 is on the minus strand). VCF-style: chr1-108192574-C-T. GRCh37 (hg19) VCF-style: chr1-108735196-C-T.
Other names: c.48G>A, p.Lys16= (NM_213651.3).
Identifiers: ClinVar variation 4977392 (VCV004977392.1).